The following is an entry in ClinVar:

NM_000138.5(FBN1):c.1908A>G (p.Arg636=)

Gene: FBN1 (fibrillin 1; minus strand). Cytogenetic location: 15q21.1.
Variant type: single nucleotide variant.
Coding change: c.1908A>G on transcript NM_000138.5 (MANE Select); coding-DNA position 1908, A replaced by G.
Protein change: p.Arg636=; no amino-acid change (arginine 636 retained).
Molecular consequence: synonymous variant.
Genome position (GRCh38, 1-based): chr15:48,505,077, T>C on the plus strand (A>G on the coding strand, the complement: FBN1 is on the minus strand). VCF-style: chr15-48505077-T-C. GRCh37 (hg19) VCF-style: chr15-48797274-T-C.
Identifiers: ClinVar variation 264230 (VCV000264230.17), dbSNP rs886039089, ClinGen allele CA10587854.

ClinVar aggregate classification (germline): Conflicting classifications of pathogenicity. Review status: criteria provided, conflicting classifications (1 of 4 stars). 4 submissions from 4 submitters: Uncertain significance (2); Likely benign (2). Last evaluated 2026-08-18.

Conditions:
Familial thoracic aortic aneurysm and aortic dissection (TAAD). Also called: Thoracic aortic aneurysms and dissections. Identifiers: Orphanet 91387, MedGen C4707243, MONDO:0019625.
Marfan syndrome (MFS). Also called: FBN1-Related Marfan Syndrome; Marfan syndrome type 1; Marfan's syndrome; MARFAN SYNDROME, TYPE I; Marfan syndrome, classic. Identifiers: Orphanet 284963, Orphanet 558, MedGen C0024796, MONDO:0007947, OMIM 154700.

gnomAD v4.1: 13 of 1,614,060 alleles (0.00081%); highest among the groups gnomAD compares: Non-Finnish European, 0.0011%; no homozygotes.

Submissions (4):

Ambry Genetics
Classification: Uncertain significance for Familial thoracic aortic aneurysm and aortic dissection. Last evaluated: 2026-08-18. Review status: criteria provided, single submitter. Criteria: Ambry Variant Classification Scheme 2023. Collection method: clinical testing. Allele origin: germline.
Comment: The c.1908A>G variant (also known as p.R636R), located in coding exon 15 of the FBN1 gene, results from an A to G substitution at nucleotide position 1908. This nucleotide substitution does not change the arginine at codon 636. This nucleotide position is not well conserved in available vertebrate species. In silico splice site analysis predicts that this alteration will result in the creation or strengthening of a novel splice donor site. Based on the available evidence, the clinical significance of this variant remains unclear.

Labcorp Genetics (formerly Invitae), Labcorp
Classification: Likely benign for Marfan syndrome; Familial thoracic aortic aneurysm and aortic dissection. Last evaluated: 2024-07-29. Review status: criteria provided, single submitter. Criteria: Invitae Variant Classification Sherloc (09022015). Collection method: clinical testing. Allele origin: germline.

Color Diagnostics, LLC DBA Color Health
Classification: Likely benign for Familial thoracic aortic aneurysm and aortic dissection. Last evaluated: 2024-04-07. Review status: criteria provided, single submitter. Criteria: ACMG Guidelines, 2015. Collection method: clinical testing. Allele origin: germline.

GeneDx
Classification: Uncertain significance. Last evaluated: 2019-08-15. Review status: criteria provided, single submitter. Criteria: GeneDx Variant Classification Process June 2021. Collection method: clinical testing. Allele origin: germline. Affected: yes.
Comment: Has not been previously published as pathogenic or benign to our knowledge; Reported in ClinVar as a variant of uncertain significance (ClinVar Variant ID# 264230; Landrum et al., 2016); Not observed in large population cohorts (Lek et al., 2016); In silico analysis, which includes splice predictors and evolutionary conservation, suggests this variant may impact gene splicing. In the absence of RNA/functional studies, the actual effect of this sequence change is unknown.